The following is an entry in ClinVar:

ClinVar aggregate classification (germline): Uncertain significance (1 of 4 stars; one submission).

Submission:

GeneDx
Classification: Uncertain significance. Last evaluated: 2019-11-07. Review status: criteria provided, single submitter. Criteria: GeneDx Variant Classification Process June 2021. Collection method: clinical testing. Allele origin: germline. Affected: yes.
Comment: Has not been previously published as pathogenic or benign to our knowledge; Not observed at a significant frequency in large population cohorts (Lek et al., 2016); In silico analysis, which includes protein predictors and evolutionary conservation, supports a deleterious effect

NM_019109.5(ALG1):c.693C>G (p.His231Gln)

Gene: ALG1 (ALG1 chitobiosyldiphosphodolichol beta-mannosyltransferase; plus strand). Cytogenetic location: 16p13.3.
Variant type: single nucleotide variant.
Coding change: c.693C>G on transcript NM_019109.5 (MANE Select); coding-DNA position 693, C replaced by G.
Protein change: p.His231Gln; replaces histidine 231 with glutamine.
Molecular consequence: missense variant.
Genome position (GRCh38, 1-based): chr16:5,077,970, C>G. VCF-style: chr16-5077970-C-G. GRCh37 (hg19) VCF-style: chr16-5127971-C-G.
Other names: c.360C>G, p.His120Gln (NM_001330504.2); short protein forms H120Q, H231Q.
Identifiers: ClinVar variation 1309698 (VCV001309698.2), dbSNP rs1278562461, ClinGen allele CA394681559.